The following is an entry in ClinVar:

ClinVar aggregate classification (germline): Likely benign. Review status: criteria provided, multiple submitters, no conflicts (2 of 4 stars). 4 submissions from 4 submitters: Likely benign (4). Last evaluated 2025-12-26.

Conditions:
Cardiovascular phenotype. Identifiers: MedGen CN230736.

Allele frequency attached by ClinVar (database versions not stated): gnomAD 0.00002.
gnomAD v4.1: 10 of 1,550,268 alleles (0.00065%); highest among the groups gnomAD compares: African/African-American, 0.0014%; no homozygotes.

Submissions (4):

Women's Health and Genetics/Laboratory Corporation of America, LabCorp
Classification: Likely benign. Last evaluated: 2025-12-26. Review status: criteria provided, single submitter. Criteria: LabCorp Variant Classification Summary - May 2015. Collection method: clinical testing. Allele origin: germline.

Labcorp Genetics (formerly Invitae), Labcorp
Classification: Likely benign. Last evaluated: 2025-11-15. Review status: criteria provided, single submitter. Criteria: Invitae Variant Classification Sherloc (09022015). Collection method: clinical testing. Allele origin: germline.

Mayo Clinic Laboratories, Mayo Clinic
Classification: Likely benign. Last evaluated: 2025-08-25. Review status: criteria provided, single submitter. Criteria: ACMG Guidelines, 2015. Collection method: clinical testing. Allele origin: germline. Observed: 1 variant allele.
Comment: BP4, BP7, PM2_supporting

Ambry Genetics
Classification: Likely benign for Cardiovascular phenotype. Last evaluated: 2020-03-16. Review status: criteria provided, single submitter. Criteria: Ambry Variant Classification Scheme 2023. Collection method: clinical testing. Allele origin: germline.

NM_001367624.2(ZNF469):c.5010C>A (p.Ala1670=)

Gene: ZNF469 (zinc finger protein 469; plus strand). Cytogenetic location: 16q24.2.
Variant type: single nucleotide variant.
Coding change: c.5010C>A on transcript NM_001367624.2 (MANE Select); coding-DNA position 5010, C replaced by A.
Protein change: p.Ala1670=; no amino-acid change (alanine 1670 retained).
Molecular consequence: synonymous variant.
Genome position (GRCh38, 1-based): chr16:88,432,480, C>A. VCF-style: chr16-88432480-C-A. GRCh37 (hg19) VCF-style: chr16-88498888-C-A.
Other names: p.Ala1670=.
Identifiers: ClinVar variation 320935 (VCV000320935.18), dbSNP rs766852564, ClinGen allele CA10644476.